The following is an entry in ClinVar:

NM_032888.4(COL27A1):c.2268+1G>T

Gene: COL27A1 (collagen type XXVII alpha 1 chain; plus strand). Cytogenetic location: 9q32.
Variant type: single nucleotide variant.
Coding change: c.2268+1G>T on transcript NM_032888.4 (MANE Select); the canonical splice donor site of the intron after coding-DNA position 2268, G replaced by T.
Molecular consequence: splice donor variant.
Genome position (GRCh38, 1-based): chr9:114,206,297, G>T. VCF-style: chr9-114206297-G-T. GRCh37 (hg19) VCF-style: chr9-116968577-G-T.
Identifiers: ClinVar variation 2021548 (VCV002021548.4), dbSNP rs1829962197, ClinGen allele CA374600716.

ClinVar aggregate classification (germline): Likely pathogenic (1 of 4 stars; one submission).

Submission:

Labcorp Genetics (formerly Invitae), Labcorp
Classification: Likely pathogenic. Last evaluated: 2022-08-04. Review status: criteria provided, single submitter. Criteria: Invitae Variant Classification Sherloc (09022015). Collection method: clinical testing. Allele origin: germline.
Comment: In summary, the currently available evidence indicates that the variant is pathogenic, but additional data are needed to prove that conclusively. Therefore, this variant has been classified as Likely Pathogenic. Algorithms developed to predict the effect of sequence changes on RNA splicing suggest that this variant may disrupt the consensus splice site. This variant has not been reported in the literature in individuals affected with COL27A1-related conditions. This variant is not present in population databases (gnomAD no frequency). This sequence change affects a donor splice site in intron 10 of the COL27A1 gene. It is expected to disrupt RNA splicing. Variants that disrupt the donor or acceptor splice site typically lead to a loss of protein function (PMID: 16199547), and loss-of-function variants in COL27A1 are known to be pathogenic (PMID: 24986830, 28276056).

Literature cited by the submitters: PubMed 16199547; PubMed 24986830; PubMed 28276056.